The following is an entry in ClinVar:

ClinVar aggregate classification (germline): Uncertain significance (1 of 4 stars; one submission).

Conditions:
Primary ciliary dyskinesia. Also called: Ciliary dyskinesia. Identifiers: Orphanet 244, MedGen C0008780, MONDO:0016575, HP:0012265.

gnomAD v4.1: 2 of 1,611,032 alleles (0.00012%); highest among the groups gnomAD compares: African/African-American, 0.0027%; no homozygotes.

Submission:

Ambry Genetics
Classification: Uncertain significance for Primary ciliary dyskinesia. Last evaluated: 2026-06-30. Review status: criteria provided, single submitter. Criteria: Ambry Variant Classification Scheme 2023. Collection method: clinical testing. Allele origin: germline.
Comment: The c.1252+3A>G intronic variant results from an A to G substitution 3 nucleotides after coding exon 9 in the DNAAF3 gene. This nucleotide position is not well conserved in available vertebrate species. In silico splice site analysis predicts that this alteration will result in the creation or strengthening of a novel splice donor site. Based on the available evidence, the clinical significance of this variant remains unclear.

NM_001256715.2(DNAAF3):c.1048+3A>G

Genes: DNAAF3 (dynein axonemal assembly factor 3; minus strand), DNAAF3-AS1 (DNAAF3 antisense RNA 1; plus strand), LOC130065090 (ATAC-STARR-seq lymphoblastoid silent region 11016; plus strand). Cytogenetic location: 19q13.42.
Variant type: single nucleotide variant.
Coding change: c.1048+3A>G on transcript NM_001256715.2 (MANE Select); 3 bases into the intron after coding-DNA position 1048, A replaced by G.
Molecular consequence: intron variant.
Genome position (GRCh38, 1-based): chr19:55,160,637, T>C on the plus strand (A>G on the coding strand, the complement: DNAAF3 is on the minus strand). VCF-style: chr19-55160637-T-C. GRCh37 (hg19) VCF-style: chr19-55672005-T-C.
Other names: c.1189+3A>G (NM_178837.4); c.1252+3A>G (NM_001256714.1); c.886+3A>G (NM_001256716.2).
Identifiers: ClinVar variation 5035424 (VCV005035424.1).